The following is an entry in ClinVar:

NM_000890.5(KCNJ5):c.411G>T (p.Val137=)

Gene: KCNJ5 (potassium inwardly rectifying channel subfamily J member 5; plus strand). Cytogenetic location: 11q24.3.
Variant type: single nucleotide variant.
Coding change: c.411G>T on transcript NM_000890.5 (MANE Select); coding-DNA position 411, G replaced by T.
Protein change: p.Val137=; no amino-acid change (valine 137 retained).
Molecular consequence: synonymous variant.
Genome position (GRCh38, 1-based): chr11:128,911,684, G>T. VCF-style: chr11-128911684-G-T. GRCh37 (hg19) VCF-style: chr11-128781579-G-T.
Other names: c.411G>T, p.Val137= (NM_001354169.2).
Identifiers: ClinVar variation 3768665 (VCV003768665.1).

ClinVar aggregate classification (germline): Likely benign (1 of 4 stars; one submission).

Submission:

Women's Health and Genetics/Laboratory Corporation of America, LabCorp
Classification: Likely benign. Last evaluated: 2025-02-10. Review status: criteria provided, single submitter. Criteria: LabCorp Variant Classification Summary - May 2015. Collection method: clinical testing. Allele origin: germline.
Comment: Variant summary: KCNJ5 c.411G>T alters a conserved nucleotide resulting in a synonymous change. Consensus agreement among computation tools predict no significant impact on normal splicing. However, these predictions have yet to be confirmed by functional studies. The variant was absent in 251496 control chromosomes. The available data on variant occurrences in the general population are insufficient to allow any conclusion about variant significance. To our knowledge, no occurrence of c.411G>T in individuals affected with Arrhythmia and no experimental evidence demonstrating its impact on protein function have been reported. No submitters have cited clinical-significance assessments for this variant to ClinVar. Based on the evidence outlined above, the variant was classified as likely benign.